The following is an entry in ClinVar:

NM_007294.4(BRCA1):c.3344A>T (p.Glu1115Val)

Genes: BRCA1 (BRCA1 DNA repair associated; minus strand), LOC126862571 (BRD4-independent group 4 enhancer GRCh37_chr17:41243136-41244335; plus strand). Cytogenetic location: 17q21.31.
Variant type: single nucleotide variant.
Coding change: c.3344A>T on transcript NM_007294.4 (MANE Select); coding-DNA position 3344, A replaced by T.
Protein change: p.Glu1115Val; replaces glutamic acid 1115 with valine.
Molecular consequence: missense variant. On other transcripts: intron variant (137).
Genome position (GRCh38, 1-based): chr17:43,092,187, T>A on the plus strand (A>T on the coding strand, the complement: BRCA1 is on the minus strand). VCF-style: chr17-43092187-T-A. GRCh37 (hg19) VCF-style: chr17-41244204-T-A.
Other names: c.3218A>T, p.Glu1073Val (NM_001407941.1, NM_001407940.1, NM_001407649.1 and 11 more transcripts); c.3134A>T, p.Glu1045Val (NM_001407907.1, NM_001407909.1, NM_001407910.1 and 13 more transcripts); c.3131A>T, p.Glu1044Val (NM_001407915.1, NM_001407917.1, NM_001407916.1 and 9 more transcripts); c.3203A>T, p.Glu1068Val (NM_001407944.1, NM_001407945.1, NM_001407942.1 and 29 more transcripts); c.3011A>T, p.Glu1004Val (NM_001407946.1, NM_001407947.1, NM_001407948.1 and 6 more transcripts); c.3200A>T, p.Glu1067Val (NM_001407943.1, NM_001407964.1, NM_001407740.1 and 20 more transcripts); c.3221A>T, p.Glu1074Val (NM_001407937.1, NM_001407938.1, NM_001407939.1 and 19 more transcripts); c.3008A>T, p.Glu1003Val (NM_001407954.1, NM_001407955.1, NM_001407956.1 and 1 more transcripts); and 41 more; short protein forms E1115V, E1068V, E1045V, E1047V, E819V, E987V, E1003V, E1027V.
Identifiers: ClinVar variation 531234 (VCV000531234.17), dbSNP rs1555587933, ClinGen allele CA10595285.

ClinVar aggregate classification (germline): Conflicting classifications of pathogenicity. Review status: criteria provided, conflicting classifications (1 of 4 stars). 3 submissions from 3 submitters: Uncertain significance (2); Likely benign (1). Last evaluated 2024-10-23.

Conditions:
Hereditary cancer-predisposing syndrome. Also called: Hereditary neoplastic syndrome; Neoplastic Syndromes, Hereditary; Tumor predisposition; Hereditary Cancer Syndrome. Identifiers: Orphanet 140162, MedGen C0027672, MeSH D009386, MONDO:0015356.
Hereditary breast ovarian cancer syndrome. Also called: Hereditary breast and ovarian cancer syndrome (HBOC); BRCA1- and BRCA2-Associated Hereditary Breast and Ovarian Cancer; Hereditary breast and ovarian cancer syndrome; Breast and ovarian cancer; Hereditary breast and ovarian cancer; Hereditary breast and/or ovarian cancer syndrome. Identifiers: Orphanet 145, MedGen C0677776, MeSH D061325, MONDO:0003582. Disease mechanism: loss of function.

Submissions (3):

Ambry Genetics
Classification: Uncertain significance for Hereditary cancer-predisposing syndrome. Last evaluated: 2024-10-23. Review status: criteria provided, single submitter. Criteria: Ambry Variant Classification Scheme 2023. Collection method: clinical testing. Allele origin: germline.
Comment: The p.E1115V variant (also known as c.3344A>T), located in coding exon 9 of the BRCA1 gene, results from an A to T substitution at nucleotide position 3344. The glutamic acid at codon 1115 is replaced by valine, an amino acid with dissimilar properties. This amino acid position is poorly conserved in available vertebrate species. In addition, this alteration is predicted to be tolerated by in silico analysis. Since supporting evidence is limited at this time, the clinical significance of this alteration remains unclear.

Labcorp Genetics (formerly Invitae), Labcorp
Classification: Uncertain significance for Hereditary breast ovarian cancer syndrome. Last evaluated: 2023-11-10. Review status: criteria provided, single submitter. Criteria: Invitae Variant Classification Sherloc (09022015). Collection method: clinical testing. Allele origin: germline.
Comment: This sequence change replaces glutamic acid, which is acidic and polar, with valine, which is neutral and non-polar, at codon 1115 of the BRCA1 protein (p.Glu1115Val). This variant is not present in population databases (gnomAD no frequency). This variant has not been reported in the literature in individuals affected with BRCA1-related conditions. ClinVar contains an entry for this variant (Variation ID: 531234). Advanced modeling of protein sequence and biophysical properties (such as structural, functional, and spatial information, amino acid conservation, physicochemical variation, residue mobility, and thermodynamic stability) performed at Invitae indicates that this missense variant is not expected to disrupt BRCA1 protein function with a negative predictive value of 95%. In summary, the available evidence is currently insufficient to determine the role of this variant in disease. Therefore, it has been classified as a Variant of Uncertain Significance.

University of Washington Department of Laboratory Medicine, University of Washington
Classification: Likely benign for Hereditary cancer-predisposing syndrome. Last evaluated: 2023-03-23. Review status: criteria provided, single submitter. Criteria: Dines et al. (Genet Med. 2020). Collection method: curation. Allele origin: germline.
Comment: Missense variant in a coldspot region where missense variants are very unlikely to be pathogenic (PMID:31911673).

BRCA1 coldspot (exon 11 using historical exon numbering). Reclassification based on statistical prior probability